The following is an entry in ClinVar:

ClinVar aggregate classification (germline): Conflicting classifications of pathogenicity. Review status: criteria provided, conflicting classifications (1 of 4 stars). 4 submissions from 4 submitters: Uncertain significance (3); Likely benign (1). Last evaluated 2024-01-30.

Conditions:
Hyperglycinuria. Also called: GLYCINURIA WITH OR WITHOUT OXALATE NEPHROLITHIASIS; GLYCINURIA WITH OR WITHOUT OXALATE UROLITHIASIS; IMINOGLYCINURIA TYPE II. Identifiers: MedGen C0543541, MONDO:0007677, OMIM 138500, HP:0003108.
Iminoglycinuria. Identifiers: Orphanet 42062, MedGen C0268654, MONDO:0009448, OMIM 242600.

Allele frequency attached by ClinVar (database versions not stated): TOPMed 0.00003; gnomAD 0.00005 and 0.00007; gnomAD exomes 0.00007 and 0.00008; ExAC 0.00008.
gnomAD v4.1: 117 of 1,612,510 alleles (0.0073%); highest among the groups gnomAD compares: South Asian, 0.092%; 2 homozygotes.

Submissions (4):

Ambry Genetics
Classification: Likely benign. Last evaluated: 2024-01-30. Review status: criteria provided, single submitter. Criteria: Ambry Variant Classification Scheme 2023. Collection method: clinical testing. Allele origin: germline.

Fulgent Genetics
Classification: Uncertain significance for Hyperglycinuria; Iminoglycinuria. Last evaluated: 2021-12-02. Review status: criteria provided, single submitter. Criteria: ACMG Guidelines, 2015. Collection method: clinical testing. Allele origin: unknown.

Illumina Laboratory Services, Illumina
Classification: Uncertain significance for Hyperglycinuria. Last evaluated: 2018-01-13. Review status: criteria provided, single submitter. Criteria: ICSL Variant Classification Criteria 13 December 2019. Collection method: clinical testing. Allele origin: germline.

Neuberg Centre For Genomic Medicine, NCGM
Classification: Uncertain significance for Hyperglycinuria. Review status: criteria provided, single submitter. Criteria: ACMG Guidelines, 2015. Collection method: clinical testing. Allele origin: germline. Inheritance: Autosomal dominant inheritance. Affected: yes.
Comment: The missense c.1742G>A(p.Arg581His) variant in SLC6A20 gene has not been reported previously as a pathogenic variant nor as a benign variant, to our knowledge. The p.Arg581His variant is reported with an allele frequency of 0.008% in the gnomAD exomes database and is novel (not in any individuals) in 1000 Genomes database. This variant has been reported to the ClinVar database as Uncertain significance. The amino acid Arg at position 581 is changed to a His changing protein sequence and it might alter its composition and physico-chemical properties. For these reasons, this variant has been classified as Uncertain Significance.

NM_020208.4(SLC6A20):c.1742G>A (p.Arg581His)

Gene: SLC6A20 (solute carrier family 6 member 20; minus strand). Cytogenetic location: 3p21.31.
Variant type: single nucleotide variant.
Coding change: c.1742G>A on transcript NM_020208.4 (MANE Select); coding-DNA position 1742, G replaced by A.
Protein change: p.Arg581His; replaces arginine 581 with histidine.
Molecular consequence: missense variant.
Genome position (GRCh38, 1-based): chr3:45,759,015, C>T on the plus strand (G>A on the coding strand, the complement: SLC6A20 is on the minus strand). VCF-style: chr3-45759015-C-T. GRCh37 (hg19) VCF-style: chr3-45800507-C-T.
Other names: c.1631G>A, p.Arg544His (NM_022405.4); short protein forms R581H, R544H.
Identifiers: ClinVar variation 345394 (VCV000345394.8), dbSNP rs376448611, ClinGen allele CA2351202.